The following is an entry in ClinVar:

ClinVar aggregate classification (germline): Conflicting classifications of pathogenicity. Review status: criteria provided, conflicting classifications (1 of 4 stars). 9 submissions from 8 submitters: Uncertain significance (6); Likely benign (3). Last evaluated 2026-09-11.

Conditions:
Inborn genetic diseases. Identifiers: MedGen C0950123, MeSH D030342.
Charcot-Marie-Tooth disease. Also called: Charcot-Marie-Tooth Hereditary Neuropathy; Charcot-Marie-Tooth Neuropathy. Identifiers: Orphanet 166, MedGen C0007959, MONDO:0015626.
Limb-girdle muscular dystrophy (LGMD). Also called: Muscular Dystrophies, Limb-Girdle. Identifiers: Orphanet 263, MedGen C0686353, MeSH D049288, MONDO:0016971, HP:0006785.
SCN11A-related disorder. Also called: SCN11A-related condition.
Hereditary sensory and autonomic neuropathy type 7. Also called: Neuropathy, hereditary sensory and autonomic, type VII; HSAN VII. Identifiers: Orphanet 391397, MedGen C3809882, MONDO:0014244, OMIM 615548.
Familial episodic pain syndrome with predominantly lower limb involvement. Also called: Episodic pain syndrome, familial, 3. Identifiers: Orphanet 391384, Orphanet 391392, MedGen C3809899, MONDO:0014247, OMIM 615552.

Allele frequency attached by ClinVar (database versions not stated): ESP Exome Variant Server 0.00008; ExAC 0.00012; gnomAD exomes 0.00015 and 0.00031; gnomAD 0.00028 and 0.00031; TOPMed 0.00028.

Submissions (9):

PreventionGenetics, part of Exact Sciences
Classification: Uncertain significance for SCN11A-related condition. Last evaluated: 2026-09-11. Review status: criteria provided, single submitter. Criteria: ACMG Guidelines, 2015. Collection method: clinical testing. Allele origin: germline.
Comment: The SCN11A c.494_501dup8 variant is predicted to result in a frameshift and premature protein termination (p.Gly168Serfs*11). To our knowledge, this variant has not been reported in the literature. This variant is reported in 0.023% of alleles in individuals of European (non-Finnish) descent in gnomAD, which may be too frequent to be a primary cause of disease. The c.494_501dup8 variant has conflicting interpretations regarding its pathogenicity in ClinVar, ranging from likely benign to uncertain. Gain-of-function variants in this gene have been associated with disease; it is yet unclear whether or not loss-of-function variants have any effect on phenotype (Zhang et al. 2013. PubMed ID: 24207120). Many loss-of-function variants in SCN11A have been reported in the gnomAD database, indicating these variants are likely not causative for autosomal dominant disorders (pLI=0). Although we suspect this variant is benign, at this time, the clinical significance of this variant is uncertain due to the absence of conclusive functional and genetic evidence.

Labcorp Genetics (formerly Invitae), Labcorp
Classification: Uncertain significance for Familial episodic pain syndrome with predominantly lower limb involvement; Hereditary sensory and autonomic neuropathy type 7. Last evaluated: 2026-01-12. Review status: criteria provided, single submitter. Criteria: Invitae Variant Classification Sherloc (09022015). Collection method: clinical testing. Allele origin: germline.
Comment: This sequence change creates a premature translational stop signal (p.Gly168Serfs*11) in the SCN11A gene. It is expected to result in an absent or disrupted protein product. However, the current clinical and genetic evidence is not sufficient to establish whether loss-of-function variants in SCN11A cause disease. This variant is present in population databases (rs780673867, gnomAD 0.03%). This premature translational stop signal has been observed in individual(s) with clinical features of SCN11A-related conditions (internal data). This premature translational stop signal has been observed in at least one individual who was not affected with SCN11A-related conditions (internal data). ClinVar contains an entry for this variant (Variation ID: 474737). In summary, the available evidence is currently insufficient to determine the role of this variant in disease. Therefore, it has been classified as a Variant of Uncertain Significance.

GeneDx
Classification: Uncertain significance. Last evaluated: 2023-11-08. Review status: criteria provided, single submitter. Criteria: GeneDx Variant Classification Process June 2021. Collection method: clinical testing. Allele origin: germline. Affected: yes.
Comment: Frameshift variant predicted to result in protein truncation or nonsense mediated decay in a gene for which loss-of-function is not a known mechanism of disease; Has not been previously published as pathogenic or benign to our knowledge

Fulgent Genetics
Classification: Uncertain significance for Hereditary sensory and autonomic neuropathy type 7; Familial episodic pain syndrome with predominantly lower limb involvement. Last evaluated: 2022-05-03. Review status: criteria provided, single submitter. Criteria: ACMG Guidelines, 2015. Collection method: clinical testing. Allele origin: unknown.

Mayo Clinic Laboratories, Mayo Clinic
Classification: Uncertain significance. Last evaluated: 2020-11-12. Review status: criteria provided, single submitter. Criteria: ACMG Guidelines, 2015. Collection method: clinical testing. Allele origin: germline. Observed: 1 variant allele.

Cambridge Genomics Laboratory, East Genomic Laboratory Hub, NHS Genomic Medicine Service
Classification: Likely benign for Charcot-Marie-Tooth disease. Last evaluated: 2019-12-11. Review status: criteria provided, single submitter. Criteria: ACGS Best Practice Guidelines for Variant Classification in Rare Disease 2020. Collection method: clinical testing. Allele origin: germline. Affected: yes. Observed: 1 variant allele.

Ambry Genetics
Classification: Likely benign for Inborn genetic diseases. Last evaluated: 2019-09-19. Review status: criteria provided, single submitter. Criteria: Ambry Variant Classification Scheme 2023. Collection method: clinical testing. Allele origin: germline.

Cambridge Genomics Laboratory, East Genomic Laboratory Hub, NHS Genomic Medicine Service
Classification: Likely benign for Limb-girdle muscular dystrophy. Last evaluated: 2019-04-17. Review status: criteria provided, single submitter. Criteria: ACGS Best Practice Guidelines for Variant Classification in Rare Disease 2020. Collection method: clinical testing. Allele origin: germline. Affected: yes. Observed: 1 variant allele.

CeGaT Center for Human Genetics Tuebingen
Classification: Uncertain significance. Last evaluated: 2018-07-01. Review status: criteria provided, single submitter. Criteria: CeGaT Center For Human Genetics Tuebingen Variant Classification Criteria Version 2. Collection method: clinical testing. Allele origin: germline. Affected: yes. Observed: 2 variant alleles.

NM_001349253.2(SCN11A):c.494_501dup (p.Gly168fs)

Gene: SCN11A (sodium voltage-gated channel alpha subunit 11; minus strand). Cytogenetic location: 3p22.2.
Variant type: Duplication.
Coding change: c.494_501dup on transcript NM_001349253.2 (MANE Select); coding-DNA positions 494 to 501, 8 bases duplicated (TCTTCACT; older notation c.494_501dupTCTTCACT).
Protein change: p.Gly168fs; shifts the reading frame from glycine 168.
Molecular consequence: frameshift variant.
Genome position (GRCh38, 1-based): chr3:38,926,919-38,926,926, AGTGAAGA duplicated on the plus strand (TCTTCACT on the coding strand, the reverse complement: SCN11A is on the minus strand). VCF-style (leftmost placement, unchanged base first): chr3-38926918-C-CAGTGAAGA. GRCh37 (hg19) VCF-style: chr3-38968409-C-CAGTGAAGA.
Other names: c.494_501dup8 (NM_014139.2); c.494_501dup, p.Gly168fs (NM_014139.3); c.494_501dupTCTTCACT (NM_014139.2); short protein forms G168fs.
Identifiers: ClinVar variation 474737 (VCV000474737.64), dbSNP rs780673867, ClinGen allele CA2322593.